The following is an entry in ClinVar:

ClinVar aggregate classification (germline): Conflicting classifications of pathogenicity. Review status: criteria provided, conflicting classifications (1 of 4 stars). 10 submissions from 10 submitters: Uncertain significance (4); Benign (1); Likely benign (5). Last evaluated 2026-08-01.

Conditions:
Pseudohypoaldosteronism type 2C (PHA2C). Also called: Pseudohypoaldosteronism Type IIC. Identifiers: Orphanet 757, Orphanet 88940, MedGen C1840391, MONDO:0013778, OMIM 614492.
Neuropathy, hereditary sensory and autonomic, type 2A (HSAN2A). Also called: HSAN IIA; ACROOSTEOLYSIS, GIACCAI TYPE; ACROOSTEOLYSIS, NEUROGENIC; MORVAN DISEASE; NEUROPATHY, CONGENITAL SENSORY; NEUROPATHY, HEREDITARY SENSORY RADICULAR, AUTOSOMAL RECESSIVE. Identifiers: Orphanet 970, MedGen C2752089, MONDO:0024309, OMIM 201300.
WNK1-related disorder. Also called: WNK1-related condition.
Inborn genetic diseases. Identifiers: MedGen C0950123, MeSH D030342.

Allele frequency attached by ClinVar (database versions not stated): 1000 Genomes Project 30x 0.00016; 1000 Genomes Project 0.00020; gnomAD 0.00054 and 0.00058; TOPMed 0.00056; ESP Exome Variant Server 0.00100.
gnomAD v4.1: 1,765 of 1,612,788 alleles (0.11%); highest among the groups gnomAD compares: Non-Finnish European, 0.14%; 1 homozygote.

Submissions (10):

CeGaT Center for Human Genetics Tuebingen
Classification: Likely benign. Last evaluated: 2026-08-01. Review status: criteria provided, single submitter. Criteria: CeGaT Center For Human Genetics Tuebingen Variant Classification Criteria Version 2. Collection method: clinical testing. Allele origin: germline. Affected: yes. Observed: 3 variant alleles.
Comment: WNK1: BP4

Women's Health and Genetics/Laboratory Corporation of America, LabCorp
Classification: Likely benign. Last evaluated: 2026-06-16. Review status: criteria provided, single submitter. Criteria: LabCorp Variant Classification Summary - May 2015. Collection method: clinical testing. Allele origin: germline.
Comment: Variant summary: WNK1 c.578C>A (p.Pro193Gln) results in a non-conservative amino acid change in the encoded protein sequence. Algorithms developed to predict the effect of missense changes on protein structure and function are either unavailable or do not agree on the potential impact of this missense change. The variant allele was found at a frequency of 0.0011 in 1612788 control chromosomes, predominantly at a frequency of 0.0014 within the Non-Finnish European subpopulation in the gnomAD database, including 1 homozygotes. The observed variant frequency within Non-Finnish European control individuals in the gnomAD database exceeds the estimated maximal expected allele frequency for disease-causing variants in WNK1. To our knowledge, no occurrence of c.578C>A in individuals affected with WNK1-related conditions and no experimental evidence demonstrating its impact on protein function have been reported. ClinVar contains an entry for this variant (Variation ID: 310545). Based on the evidence outlined above, the variant was classified as likely benign.

Labcorp Genetics (formerly Invitae), Labcorp
Classification: Likely benign for Neuropathy, hereditary sensory and autonomic, type 2A; Pseudohypoaldosteronism type 2C. Last evaluated: 2026-01-27. Review status: criteria provided, single submitter. Criteria: Invitae Variant Classification Sherloc (09022015). Collection method: clinical testing. Allele origin: germline.

PreventionGenetics, part of Exact Sciences
Classification: Likely benign for WNK1-related condition. Last evaluated: 2025-04-24. Review status: criteria provided, single submitter. Criteria: ACMG Guidelines, 2015. Collection method: clinical testing. Allele origin: germline.
Comment: This variant is classified as likely benign based on ACMG/AMP sequence variant interpretation guidelines (Richards et al. 2015 PMID: 25741868, with internal and published modifications).

Mayo Clinic Laboratories, Mayo Clinic
Classification: Uncertain significance. Last evaluated: 2025-01-30. Review status: criteria provided, single submitter. Criteria: ACMG Guidelines, 2015. Collection method: clinical testing. Allele origin: germline. Observed: 1 variant allele.
Comment: BP4

Blueprint Genetics
Classification: Likely benign. Last evaluated: 2024-11-27. Review status: criteria provided, single submitter. Criteria: ACMG Guidelines, 2015. Collection method: clinical testing. Allele origin: germline.

Ambry Genetics
Classification: Uncertain significance for Inborn genetic diseases. Last evaluated: 2022-03-09. Review status: criteria provided, single submitter. Criteria: Ambry Variant Classification Scheme 2023. Collection method: clinical testing. Allele origin: germline.
Comment: The p.P193Q variant (also known as c.578C>A), located in coding exon 1 of the WNK1 gene, results from a C to A substitution at nucleotide position 578. The proline at codon 193 is replaced by glutamine, an amino acid with similar properties. This amino acid position is not well conserved in available vertebrate species. In addition, this alteration is predicted to be tolerated by in silico analysis. Since supporting evidence is limited at this time, the clinical significance of this alteration remains unclear.

GeneDx
Classification: Uncertain significance. Last evaluated: 2022-02-01. Review status: criteria provided, single submitter. Criteria: GeneDx Variant Classification Process June 2021. Collection method: clinical testing. Allele origin: germline. Affected: yes.
Comment: In silico analysis supports that this missense variant has a deleterious effect on protein structure/function; Has not been previously published as pathogenic or benign to our knowledge

ARUP Laboratories, Molecular Genetics and Genomics, ARUP Laboratories
Classification: Uncertain significance. Last evaluated: 2019-11-29. Review status: criteria provided, single submitter. Criteria: ARUP Molecular Germline Variant Investigation Process. Collection method: clinical testing. Allele origin: germline.
Comment: The WNK1 c.578C>A; p.Pro193Gln variant (rs72647372), to our knowledge, is not reported in the medical literature but is reported in ClinVar (Variation ID: 310545). This variant is found in the general population with an overall allele frequency of 0.050% (139/278908 alleles) in the Genome Aggregation Database. The proline at codon 193 is weakly conserved, and computational analyses (SIFT, PolyPhen-2) predict that this variant is tolerated. Due to limited information, the clinical significance of the p.Pro193Gln variant is uncertain at this time.

Illumina Laboratory Services, Illumina
Classification: Benign for Pseudohypoaldosteronism type 2C. Last evaluated: 2018-01-13. Review status: criteria provided, single submitter. Criteria: ICSL Variant Classification Criteria 13 December 2019. Collection method: clinical testing. Allele origin: germline.
Comment: This variant was observed in the ICSL laboratory as part of a predisposition screen in an ostensibly healthy population. It had not been previously curated by ICSL or reported in the Human Gene Mutation Database (HGMD: prior to June 1st, 2018), and was therefore a candidate for classification through an automated scoring system. Utilizing variant allele frequency, disease prevalence and penetrance estimates, and inheritance mode, an automated score was calculated to assess if this variant is too frequent to cause the disease. Based on the score and internal cut-off values, a variant classified as benign is not then subjected to further curation. The score for this variant resulted in a classification of benign for this disease.

NM_018979.4(WNK1):c.578C>A (p.Pro193Gln)

Gene: WNK1 (WNK lysine deficient protein kinase 1; plus strand). Cytogenetic location: 12p13.33.
Variant type: single nucleotide variant.
Coding change: c.578C>A on transcript NM_018979.4 (MANE Select); coding-DNA position 578, C replaced by A.
Protein change: p.Pro193Gln; replaces proline 193 with glutamine.
Molecular consequence: missense variant.
Genome position (GRCh38, 1-based): chr12:754,143, C>A. VCF-style: chr12-754143-C-A. GRCh37 (hg19) VCF-style: chr12-863309-C-A.
Other names: p.Pro193Gln; c.578C>A, p.Pro193Gln (NM_001184985.2, NM_014823.3, NM_213655.5); short protein forms P193Q.
Identifiers: ClinVar variation 310545 (VCV000310545.52), dbSNP rs72647372, ClinGen allele CA6381812.